The following is an entry in ClinVar:

ClinVar aggregate classification (germline): Uncertain significance. Review status: criteria provided, multiple submitters, no conflicts (2 of 4 stars). 3 submissions from 3 submitters: Uncertain significance (2). 1 of the submissions does not count toward it. Last evaluated 2025-01-15.

Conditions:
Pulmonary hypertension, primary, 1 (PPH1). Also called: Pulmonary hypertension, familial primary, 1, with or without HHT. Identifiers: Orphanet 422, MedGen C4552070, MONDO:0024533, OMIM 178600.

Allele frequency attached by ClinVar (database versions not stated): gnomAD exomes 0.00001 and 0.00004; ExAC 0.00005; gnomAD 0.00005 and 0.00006.
gnomAD v4.1: 26 of 1,614,046 alleles (0.0016%); highest among the groups gnomAD compares: African/African-American, 0.015%; no homozygotes.

Submissions (3):

Labcorp Genetics (formerly Invitae), Labcorp
Classification: Uncertain significance. Last evaluated: 2025-01-15. Review status: criteria provided, single submitter. Criteria: Invitae Variant Classification Sherloc (09022015). Collection method: clinical testing. Allele origin: germline.
Comment: This sequence change replaces alanine, which is neutral and non-polar, with threonine, which is neutral and polar, at codon 448 of the TBX4 protein (p.Ala448Thr). This variant is present in population databases (rs769578381, gnomAD 0.03%). This missense change has been observed in individual(s) with pulmonary arterial hypertension (PMID: 30578397). ClinVar contains an entry for this variant (Variation ID: 1341431). Invitae Evidence Modeling of protein sequence and biophysical properties (such as structural, functional, and spatial information, amino acid conservation, physicochemical variation, residue mobility, and thermodynamic stability) indicates that this missense variant is not expected to disrupt TBX4 protein function with a negative predictive value of 95%. In summary, the available evidence is currently insufficient to determine the role of this variant in disease. Therefore, it has been classified as a Variant of Uncertain Significance.

GeneDx
Classification: Uncertain significance. Last evaluated: 2022-06-07. Review status: criteria provided, single submitter. Criteria: GeneDx Variant Classification Process June 2021. Collection method: clinical testing. Allele origin: germline. Affected: yes.
Comment: Identified in a heterozygous state in an individual with idiopathic pulmonary arterial hypertension (Wang et al., 2019); In silico analysis supports that this missense variant does not alter protein structure/function; This variant is associated with the following publications: (PMID: 30578397)

Wendy Chung Laboratory, Boston Children's Hospital
No classification provided. Condition: Pulmonary hypertension, primary, 1. Review status: no classification provided. Collection method: literature only. Allele origin: unknown. Affected: yes. Not counted in ClinVar's aggregate classification.

Literature cited by the submitters: PubMed 30578397 (cited by Labcorp Genetics (formerly Invitae), Labcorp and Wendy Chung Laboratory, Boston Children's Hospital).

NM_001321120.2(TBX4):c.1345G>A (p.Ala449Thr)

Gene: TBX4 (T-box transcription factor 4; plus strand). Cytogenetic location: 17q23.2.
Variant type: single nucleotide variant.
Coding change: c.1345G>A on transcript NM_001321120.2 (MANE Select); coding-DNA position 1345, G replaced by A.
Protein change: p.Ala449Thr; replaces alanine 449 with threonine.
Molecular consequence: missense variant.
Genome position (GRCh38, 1-based): chr17:61,483,220, G>A. VCF-style: chr17-61483220-G-A. GRCh37 (hg19) VCF-style: chr17-59560581-G-A.
Other names: c.1342G>A (NM_018488.2); c.1342G>A, p.Ala448Thr (NM_018488.3); short protein forms A448T, A449T.
Identifiers: ClinVar variation 1341431 (VCV001341431.5), dbSNP rs769578381, ClinGen allele CA8690076.
Genomic context (GRCh38, chr17:61,483,220, plus strand): 5'-AGCTATAGCGTGCAGACGATGGAGACTGTGCCGTACCAGCCCTTCCCCACGCACTTCACC[G>A]CCACCACCATGATGCCGCGGCTGCCCACCCTCTCCGCTCAGAGCTCCCAGCCACCAGGAA-3'
Protein context (NP_001308049.1, residues 439-459): PYQPFPTHFT[Ala449Thr]TTMMPRLPTL